The following is an entry in ClinVar:

NM_000492.4(CFTR):c.3611G>A (p.Trp1204Ter)

Genes: CFTR (CF transmembrane conductance regulator; plus strand), CFTR-AS2 (CFTR antisense RNA 2; minus strand). Cytogenetic location: 7q31.2.
Variant type: single nucleotide variant.
Coding change: c.3611G>A on transcript NM_000492.4 (MANE Select); coding-DNA position 3611, G replaced by A.
Protein change: p.Trp1204Ter; replaces tryptophan 1204 with a stop codon.
Molecular consequence: nonsense.
Genome position (GRCh38, 1-based): chr7:117,627,664, G>A. VCF-style: chr7-117627664-G-A. GRCh37 (hg19) VCF-style: chr7-117267718-G-A.
Other names: short protein forms W1204*.
Identifiers: ClinVar variation 7212 (VCV000007212.13), dbSNP rs121908764, ClinGen allele CA325599.

ClinVar aggregate classification (germline): Pathogenic. Review status: reviewed by expert panel (3 of 4 stars). 9 submissions from 8 submitters: Pathogenic (1). 8 of the submissions do not count toward it. Last evaluated 2017-03-17.

Conditions:
CFTR-related disorder (CFTR-RD). Also called: CFTR-related condition; CFTR-related disorders. Identifiers: MedGen C5924204, MONDO:7770004.
Cystic fibrosis (CF). Also called: MUCOVISCIDOSIS. Identifiers: Orphanet 586, MedGen C0010674, MONDO:0009061, OMIM 219700. Disease mechanism: loss of function.

Allele frequency attached by ClinVar (database versions not stated): gnomAD exomes below 0.00001.

Submissions (9):

CFTR2
Classification: Pathogenic for Cystic fibrosis. Last evaluated: 2017-03-17. Review status: reviewed by expert panel. Criteria: Sosnay PR et al. (Nat Genet 2013). Collection method: research. Allele origin: germline. Affected: yes. Study: CFTR2.

Natera, Inc.
Classification: Pathogenic for CFTR-related disorders. Last evaluated: 2025-08-05. Review status: criteria provided, single submitter. Criteria: Natera Variant Classification Schema (03/2026). Collection method: clinical testing. Allele origin: germline. Not counted in ClinVar's aggregate classification.
Comment: The c.3611G>A variant in CFTR is a nonsense variant predicted to introduce a stop codon at amino acid 1204. This variant is expected to result in nonsense mediated decay, truncation, or a dysfunctional protein product. This variant is rare in the general population with a frequency below the threshold expected for the associated phenotype(s). This variant has been observed in one or more individuals affected with the associated recessive disease, as either homozygous or compound heterozygous with a second variant (PMID: 31916691, 15365999, 7522211). Given the available evidence, this variant is classified as Pathogenic.

Blueprint Genetics
Classification: Pathogenic for CFTR-related disorders. Last evaluated: 2023-07-21. Review status: criteria provided, single submitter. Criteria: ACMG Guidelines, 2015. Collection method: clinical testing. Allele origin: germline. Affected: yes. Observed: 1 variant allele. Not counted in ClinVar's aggregate classification.

Labcorp Genetics (formerly Invitae), Labcorp
Classification: Pathogenic for Cystic fibrosis. Last evaluated: 2023-06-12. Review status: criteria provided, single submitter. Criteria: Invitae Variant Classification Sherloc (09022015). Collection method: clinical testing. Allele origin: germline. Not counted in ClinVar's aggregate classification.
Comment: For these reasons, this variant has been classified as Pathogenic. ClinVar contains an entry for this variant (Variation ID: 7212). This premature translational stop signal has been observed in individual(s) with cystic fibrosis (PMID: 1284534, 11484207, 18456578). This variant is not present in population databases (gnomAD no frequency). This sequence change creates a premature translational stop signal (p.Trp1204*) in the CFTR gene. It is expected to result in an absent or disrupted protein product. Loss-of-function variants in CFTR are known to be pathogenic (PMID: 1695717, 7691345, 9725922).

Genome Diagnostics Laboratory, The Hospital for Sick Children
Classification: Pathogenic for Cystic fibrosis. Last evaluated: 2019-08-14. Review status: criteria provided, single submitter. Criteria: ACMG Guidelines, 2015. Collection method: clinical testing. Allele origin: germline. Not counted in ClinVar's aggregate classification.

CFTR-France
Classification: Pathogenic for cystic fibrosis. Last evaluated: 2018-01-29. Review status: criteria provided, single submitter. Criteria: Claustres M et al. (Hum Mutat 2017). Collection method: curation. Allele origin: germline. Affected: yes. Not counted in ClinVar's aggregate classification.

Genome Diagnostics Laboratory, The Hospital for Sick Children
Classification: Pathogenic for CFTR-related disorders. Last evaluated: 2019-08-14. Review status: no assertion criteria provided. Collection method: clinical testing. Allele origin: germline. Not counted in ClinVar's aggregate classification.

Counsyl
Classification: Pathogenic for Cystic fibrosis. Last evaluated: 2016-02-04. Review status: no assertion criteria provided. Collection method: clinical testing. Allele origin: unknown. Not counted in ClinVar's aggregate classification.

OMIM
Classification: Pathogenic for CYSTIC FIBROSIS. Last evaluated: 1994-05-15. Review status: no assertion criteria provided. Collection method: literature only. Allele origin: germline. Not counted in ClinVar's aggregate classification.

Literature cited by the submitters: PubMed 31916691 (cited by Natera, Inc.); PubMed 15365999 (cited by Natera, Inc. and Counsyl); PubMed 7522211 (cited by 3 submitters); PubMed 1284534 (cited by Labcorp Genetics (formerly Invitae), Labcorp); PubMed 11484207 (cited by Labcorp Genetics (formerly Invitae), Labcorp); PubMed 18456578 (cited by Labcorp Genetics (formerly Invitae), Labcorp and Counsyl); PubMed 1695717 (cited by Labcorp Genetics (formerly Invitae), Labcorp); PubMed 7691345 (cited by Labcorp Genetics (formerly Invitae), Labcorp); PubMed 9725922 (cited by Labcorp Genetics (formerly Invitae), Labcorp); PubMed 23974870 (cited by Counsyl).